The following is an entry in ClinVar:

ClinVar aggregate classification (germline): Uncertain significance. Review status: criteria provided, multiple submitters, no conflicts (2 of 4 stars). 2 submissions from 2 submitters: Uncertain significance (2). Last evaluated 2022-06-22.

Allele frequency attached by ClinVar (database versions not stated): TOPMed below 0.00001.
gnomAD v4.1: 1 of 1,613,686 alleles (0.000062%); highest among the groups gnomAD compares: South Asian, 0.0011%; no homozygotes.

Submissions (2):

Labcorp Genetics (formerly Invitae), Labcorp
Classification: Uncertain significance. Last evaluated: 2022-06-22. Review status: criteria provided, single submitter. Criteria: Invitae Variant Classification Sherloc (09022015). Collection method: clinical testing. Allele origin: germline.
Comment: This sequence change replaces serine, which is neutral and polar, with arginine, which is basic and polar, at codon 1066 of the PCDH15 protein (p.Ser1066Arg). This variant is present in population databases (no rsID available, gnomAD 0.003%). This variant has not been reported in the literature in individuals affected with PCDH15-related conditions. Algorithms developed to predict the effect of missense changes on protein structure and function are either unavailable or do not agree on the potential impact of this missense change (SIFT: "Deleterious"; PolyPhen-2: "Possibly Damaging"; Align-GVGD: "Class C0"). In summary, the available evidence is currently insufficient to determine the role of this variant in disease. Therefore, it has been classified as a Variant of Uncertain Significance.

Blueprint Genetics
Classification: Uncertain significance. Last evaluated: 2021-06-07. Review status: criteria provided, single submitter. Criteria: ACMG Guidelines, 2015. Collection method: clinical testing. Allele origin: germline.

NM_001384140.1(PCDH15):c.3196A>C (p.Ser1066Arg)

Gene: PCDH15 (protocadherin related 15; minus strand). Cytogenetic location: 10q21.1.
Variant type: single nucleotide variant.
Coding change: c.3196A>C on transcript NM_001384140.1 (MANE Select); coding-DNA position 3196, A replaced by C.
Protein change: p.Ser1066Arg; replaces serine 1066 with arginine.
Molecular consequence: missense variant.
Genome position (GRCh38, 1-based): chr10:53,940,902, T>G on the plus strand (A>C on the coding strand, the complement: PCDH15 is on the minus strand). VCF-style: chr10-53940902-T-G. GRCh37 (hg19) VCF-style: chr10-55700662-T-G.
Other names: c.3211A>C, p.Ser1071Arg (NM_001142763.2, NM_001142771.2); c.3196A>C, p.Ser1066Arg (NM_001142764.2, NM_001142766.2, NM_001142770.3 and 4 more transcripts); c.2983A>C, p.Ser995Arg (NM_001142765.2); c.3085A>C, p.Ser1029Arg (NM_001142767.2); c.3130A>C, p.Ser1044Arg (NM_001142768.2, NM_001142773.2, NM_001354404.2); c.3232A>C, p.Ser1078Arg (NM_001142769.4); c.3217A>C, p.Ser1073Arg (NM_001354411.2); short protein forms S1066R, S1071R, S1078R, S995R, S1044R, S1029R, S1073R.
Identifiers: ClinVar variation 2009007 (VCV002009007.2), dbSNP rs768775289, ClinGen allele CA376517541.